The following is an entry in ClinVar:

NM_001042492.3(NF1):c.3525_3526del (p.Arg1176fs)

Gene: NF1 (neurofibromin 1; plus strand). Cytogenetic location: 17q11.2.
Variant type: Deletion.
Coding change: c.3525_3526del on transcript NM_001042492.3 (MANE Select); coding-DNA positions 3525 to 3526, 2 bases deleted (AA; older notation c.3525_3526delAA).
Protein change: p.Arg1176fs; shifts the reading frame from arginine 1176.
Molecular consequence: frameshift variant.
Genome position (GRCh38, 1-based): chr17:31,233,030-31,233,031, AA deleted. VCF-style (leftmost placement, unchanged base first): chr17-31233029-CAA-C. GRCh37 (hg19) VCF-style: chr17-29560047-CAA-C.
Other names: c.3525_3526delAA, p.Arg1176Serfs (NM_000267.4); c.3525_3526delAA (NM_000267.3); short protein forms R1176fs.
Identifiers: ClinVar variation 428971 (VCV000428971.67), dbSNP rs1131691092, ClinGen allele CA645369720.

ClinVar aggregate classification (germline): Pathogenic. Review status: criteria provided, multiple submitters, no conflicts (2 of 4 stars). 15 submissions from 15 submitters: Pathogenic (15). Last evaluated 2026-01-23.

Conditions:
NF1-related disorder. Also called: NF1-related condition. Identifiers: MedGen CN379171.
Hereditary cancer-predisposing syndrome. Also called: Neoplastic Syndromes, Hereditary; Hereditary Cancer Syndrome; Tumor predisposition; Hereditary neoplastic syndrome. Identifiers: Orphanet 140162, MedGen C0027672, MeSH D009386, MONDO:0015356.
Neurofibromatosis, type 1 (NF1). Also called: Peripheral type neurofibromatosis; Neurofibromatosis, type I; VON RECKLINGHAUSEN DISEASE; NEUROFIBROMATOSIS, TYPE I, SOMATIC. Identifiers: Orphanet 636, MedGen C0027831, MONDO:0018975, OMIM 162200. Disease mechanism: loss of function.

Allele frequency attached by ClinVar (database versions not stated): gnomAD exomes below 0.00001; TOPMed below 0.00001.

Submissions (15):

Myriad Genetics, Inc.
Classification: Pathogenic for Neurofibromatosis, type 1. Last evaluated: 2026-01-23. Review status: criteria provided, single submitter. Criteria: Myriad Autosomal Dominant, Autosomal Recessive and X-Linked Classification Criteria (2023). Collection method: clinical testing. Allele origin: unknown.
Comment: This variant is considered pathogenic. This variant creates a frameshift predicted to result in premature protein truncation.

Labcorp Genetics (formerly Invitae), Labcorp
Classification: Pathogenic for Neurofibromatosis, type 1. Last evaluated: 2025-09-27. Review status: criteria provided, single submitter. Criteria: Invitae Variant Classification Sherloc (09022015). Collection method: clinical testing. Allele origin: germline.
Comment: This sequence change creates a premature translational stop signal (p.Arg1176Serfs*18) in the NF1 gene. It is expected to result in an absent or disrupted protein product. Loss-of-function variants in NF1 are known to be pathogenic (PMID: 10712197, 23913538). This variant is not present in population databases (gnomAD no frequency). This premature translational stop signal has been observed in individuals with neurofibromatosis type 1 (PMID: 10712197, 17914445, 18546366, 22155606, 26969325). Invitae Evidence Modeling of clinical and family history, age, sex, and reported ancestry of multiple individuals with this NF1 variant has been performed. This variant is expected to be pathogenic with a positive predictive value of at least 99%. This is a validated machine learning model that incorporates the clinical features of 1,785,918 individuals referred to our laboratory for NF1 testing. This variant is also known as c.3525delAA. ClinVar contains an entry for this variant (Variation ID: 428971). For these reasons, this variant has been classified as Pathogenic.

PreventionGenetics, part of Exact Sciences
Classification: Pathogenic for NF1-related condition. Last evaluated: 2025-09-08. Review status: criteria provided, single submitter. Criteria: ACMG Guidelines, 2015. Collection method: clinical testing. Allele origin: germline.
Comment: The NF1 c.3525_3526delAA variant is predicted to result in a frameshift and premature protein termination (p.Arg1176Serfs*18). This variant has been reported in multiple individuals with neurofibromatosis type 1 (Fahsold et al. 2000. PubMed ID: 10712197; De Schepper et al. 2008. PubMed ID: 17914445; Pros et al. 2008. PubMed ID: 18546366; Laycock-van Spyk et al. 2011. PubMed ID: 22155606; Tsipi et al. 2018. PubMed ID: 30308447) and was documented to be de novo in at least one individual (Tsipi et al. 2018. PubMed ID: 30308447). This variant has not been reported in a large population database (gnomAD), indicating this variant is rare. This variant is interpreted as pathogenic in ClinVar (Variation: 428971). Frameshift variants in NF1 are expected to be pathogenic. This variant is interpreted as pathogenic.

Quest Diagnostics Nichols Institute San Juan Capistrano
Classification: Pathogenic. Last evaluated: 2025-03-14. Review status: criteria provided, single submitter. Criteria: Quest Diagnostics criteria. Collection method: clinical testing. Allele origin: unknown.
Comment: The NF1 c.3525_3526del (p.Arg1176Serfs*18) variant alters the translational reading frame of the NF1 mRNA and causes the premature termination of NF1 protein synthesis. This variant has been reported in the published literature in individuals with neurofibromatosis 1 (NF1) (PMID: 10712197 (2000), 11409870 (2001), 16138229 (2005), 18041031 (2007), 23913538 (2013), 26969325 (2016), 30308447 (2018), 31776437 (2020)). This variant has not been reported in large, multi-ethnic general populations (Genome Aggregation Database). Based on the available information, this variant is classified as pathogenic.

GeneDx
Classification: Pathogenic. Last evaluated: 2022-12-22. Review status: criteria provided, single submitter. Criteria: GeneDx Variant Classification Process June 2021. Collection method: clinical testing. Allele origin: germline. Affected: yes.
Comment: Frameshift variant predicted to result in protein truncation or nonsense mediated decay in a gene for which loss-of-function is a known mechanism of disease; Not observed at significant frequency in large population cohorts (gnomAD); Also known as 3525delAA; This variant is associated with the following publications: (PMID: 18546366, 21031597, 18041031, 22155606, 31776437, 26969325, 16941471, 16138229, 30308447, 10712197)

Institute of Human Genetics, University of Leipzig Medical Center
Classification: Pathogenic for Neurofibromatosis, type 1. Last evaluated: 2022-08-04. Review status: criteria provided, single submitter. Criteria: ACMG Guidelines, 2015. Collection method: clinical testing. Allele origin: unknown. Affected: yes.
Comment: _x000D_ Criteria applied: PVS1, PS4_MOD, PM2_SUP

3billion
Classification: Pathogenic for Neurofibromatosis, type 1. Last evaluated: 2022-05-22. Review status: criteria provided, single submitter. Criteria: ACMG Guidelines, 2015. Collection method: clinical testing. Allele origin: germline. Affected: yes. Observed: 1 heterozygote.
Comment: The variant is not observed in the gnomAD v2.1.1 dataset. Frameshift: predicted to result in a loss or disruption of normal protein function through nonsense-mediated decay (NMD) or protein truncation. Multiple pathogenic variants are reported downstream of the variant. The variant has been reported at least twice as pathogenic with clinical assertions and evidence for the classification (ClinVar ID: VCV000428971 / PMID: 10712197). Therefore, this variant is classified as pathogenic according to the recommendation of ACMG/AMP guideline.

Genome-Nilou Lab
Classification: Pathogenic for Neurofibromatosis, type 1. Last evaluated: 2022-03-15. Review status: criteria provided, single submitter. Criteria: ACMG Guidelines, 2015. Collection method: clinical testing. Allele origin: germline. Affected: no.

Genome Diagnostics Laboratory, The Hospital for Sick Children
Classification: Pathogenic for Neurofibromatosis, type 1. Last evaluated: 2020-10-26. Review status: criteria provided, single submitter. Criteria: ACMG Guidelines, 2015. Collection method: clinical testing. Allele origin: germline. Affected: yes.

Blueprint Genetics
Classification: Pathogenic for NF1-related disorders. Last evaluated: 2018-06-13. Review status: criteria provided, single submitter. Criteria: ACMG Guidelines, 2015. Collection method: clinical testing. Allele origin: germline. Affected: yes. Observed: 2 variant alleles.

CeGaT Center for Human Genetics Tuebingen
Classification: Pathogenic. Last evaluated: 2017-08-01. Review status: criteria provided, single submitter. Criteria: CeGaT Center For Human Genetics Tuebingen Variant Classification Criteria Version 2. Collection method: clinical testing. Allele origin: germline. Affected: yes. Observed: 1 variant allele.

Center for Human Genetics, Inc
Classification: Pathogenic for Neurofibromatosis, type 1. Last evaluated: 2016-11-01. Review status: criteria provided, single submitter. Criteria: ACMG Guidelines, 2015. Collection method: clinical testing. Allele origin: germline. Affected: yes.

Ambry Genetics
Classification: Pathogenic for Hereditary cancer-predisposing syndrome. Last evaluated: 2015-08-20. Review status: criteria provided, single submitter. Criteria: Ambry Autosomal Dominant and X-Linked criteria (10/2015). Collection method: clinical testing. Allele origin: germline. Observed: 1 variant allele.
Comment: Thec.3525_3526delAApathogenic mutation, located in codingexon27 of theNF1gene, results from a deletion of two nucleotides at nucleotide positions 3525 and 3526, causing a translationalframeshiftwith a predicted alternate stopcodon. This mutation has been detected in multiple individuals who meet NIH clinical criteria for NF1(FahsoldR, et al. Am. J. Hum. Genet. 2000;66(3):790-818;Trov&oacute;-MarquiAB, et al.Braz. J. Med.Biol. Res. 2005;38(9):1441-7;BrinckmannA, et al. Electrophoresis 2007;28(23):4295-301).In addition to the clinical data presented in the literature, sinceframeshiftsare typically deleterious in nature, this alteration is interpreted as a disease-causing mutation (ACMGRecommendations for Standards for Interpretation and Reporting of Sequence Variations. Revision 2007. Genet Med. 2008;10:294).

Clinical Genetics Service, Universitary Hospital 12 de Octubre
Classification: Pathogenic for Neurofibromatosis, type 1. Review status: criteria provided, single submitter. Criteria: ACMG Guidelines, 2015. Collection method: clinical testing. Allele origin: germline. Affected: yes.

Juno Genomics, Hangzhou Juno Genomics, Inc
Classification: Pathogenic for Neurofibromatosis, type 1. Review status: criteria provided, single submitter. Criteria: ACMG Guidelines, 2015. Collection method: clinical testing. Allele origin: germline. Affected: yes.
Comment: Null variant in a gene where loss of function (LOF) is a known mechanism of disease.;Absent from controls (or at extremely low frequency if recessive) in Genome Aggregation Database, Exome Sequencing Project, 1000 Genomes Project, or Exome Aggregation Consortium.;The prevalence of the variant in affected individuals is significantly increased compared to the prevalence in controls.;Assumed de novo, but without confirmation of paternity and maternity.;Patient's phenotype or family history is highly specific for a disease with a single genetic etiology.

Literature cited by the submitters: PubMed 10712197 (cited by 3 submitters); PubMed 23913538 (cited by Labcorp Genetics (formerly Invitae), Labcorp); PubMed 17914445 (cited by Labcorp Genetics (formerly Invitae), Labcorp); PubMed 18546366 (cited by Labcorp Genetics (formerly Invitae), Labcorp and Ambry Genetics); PubMed 22155606 (cited by Labcorp Genetics (formerly Invitae), Labcorp and Ambry Genetics); PubMed 26969325 (cited by Labcorp Genetics (formerly Invitae), Labcorp); PubMed 16138229 (cited by Ambry Genetics); PubMed 18041031 (cited by Ambry Genetics); PubMed 21031597 (cited by Ambry Genetics).